The following is an entry in ClinVar:

ClinVar aggregate classification (germline): Uncertain significance (1 of 4 stars; one submission).

Conditions:
Eichsfeld type congenital muscular dystrophy (CMYO3). Also called: MYOPATHY, SEPN1-RELATED; SELENON-related myopathy; Congenital myopathy 3 with rigid spine; Rigid spine muscular dystrophy 1. Identifiers: MedGen C0410180, MONDO:0100100, OMIM 602771.

Allele frequency attached by ClinVar (database versions not stated): gnomAD 0.00001; gnomAD exomes below 0.00001.

Submission:

Labcorp Genetics (formerly Invitae), Labcorp
Classification: Uncertain significance for Eichsfeld type congenital muscular dystrophy. Last evaluated: 2021-09-01. Review status: criteria provided, single submitter. Criteria: Invitae Variant Classification Sherloc (09022015). Collection method: clinical testing. Allele origin: germline.
Comment: This sequence change replaces proline with serine at codon 261 of the SELENON protein (p.Pro261Ser). The proline residue is highly conserved and there is a moderate physicochemical difference between proline and serine. In summary, the available evidence is currently insufficient to determine the role of this variant in disease. Therefore, it has been classified as a Variant of Uncertain Significance. Algorithms developed to predict the effect of missense changes on protein structure and function (SIFT, PolyPhen-2, Align-GVGD) all suggest that this variant is likely to be disruptive. This variant has not been reported in the literature in individuals affected with SELENON-related conditions. This variant is not present in population databases (ExAC no frequency).

NM_206926.2(SELENON):c.679C>T (p.Pro227Ser)

Gene: SELENON (selenoprotein N; plus strand). Cytogenetic location: 1p36.11.
Variant type: single nucleotide variant.
Coding change: c.679C>T on transcript NM_206926.2 (MANE Select); coding-DNA position 679, C replaced by T.
Protein change: p.Pro227Ser; replaces proline 227 with serine.
Molecular consequence: missense variant.
Genome position (GRCh38, 1-based): chr1:25,809,059, C>T. VCF-style: chr1-25809059-C-T. GRCh37 (hg19) VCF-style: chr1-26135550-C-T.
Other names: c.781C>T, p.Pro261Ser (NM_020451.3); short protein forms P227S, P261S.
Identifiers: ClinVar variation 1449900 (VCV001449900.6), dbSNP rs1270929673, ClinGen allele CA339113586.